The following is an entry in ClinVar:

ClinVar aggregate classification (germline): Benign (0 of 4 stars; one submission).

Conditions:
SHROOM2-related disorder. Also called: SHROOM2-related condition.

Allele frequency attached by ClinVar (database versions not stated): gnomAD exomes 0.00036; ExAC 0.00151; gnomAD 0.00333; 1000 Genomes Project 0.00344; 1000 Genomes Project 30x 0.00354; TOPMed 0.00361; ESP Exome Variant Server 0.00417.
gnomAD v4.1: 796 of 1,203,155 alleles (0.066%); highest among the groups gnomAD compares: African/African-American, 1.2%; 4 homozygotes.

Submission:

PreventionGenetics, part of Exact Sciences
Classification: Benign for SHROOM2-related condition. Last evaluated: 2019-12-16. Review status: no assertion criteria provided. Collection method: clinical testing. Allele origin: germline.
Comment: This variant is classified as benign based on ACMG/AMP sequence variant interpretation guidelines (Richards et al. 2015 PMID: 25741868, with internal and published modifications).

NM_001649.4(SHROOM2):c.409A>G (p.Thr137Ala)

Gene: SHROOM2 (shroom family member 2; plus strand). Cytogenetic location: Xp22.2.
Variant type: single nucleotide variant.
Coding change: c.409A>G on transcript NM_001649.4 (MANE Select); coding-DNA position 409, A replaced by G.
Protein change: p.Thr137Ala; replaces threonine 137 with alanine.
Molecular consequence: missense variant.
Genome position (GRCh38, 1-based): chrX:9,891,068, A>G. VCF-style: chrX-9891068-A-G. GRCh37 (hg19) VCF-style: chrX-9859108-A-G.
Other names: short protein forms T137A.
Identifiers: ClinVar variation 3034500 (VCV003034500.2), dbSNP rs61739329, ClinGen allele CA10345177.